The following is an entry in ClinVar:

ClinVar aggregate classification (germline): Benign/Likely benign. Review status: criteria provided, multiple submitters, no conflicts (2 of 4 stars). 12 submissions from 10 submitters: Benign (8); Likely benign (4). Last evaluated 2026-02-04.

Conditions:
Kidney disorder. Also called: renal disease; renal disorder; Nephropathy; Kidney disease; Kidney Diseases. Identifiers: MedGen C0022658, MONDO:0005240, HP:0000112.
Nephronophthisis. Also called: Juvenile Nephronophthisis. Identifiers: Orphanet 655, MedGen C0687120, MONDO:0019005, HP:0000090.
Nephronophthisis 3 (NPHP3). Also called: Adolescent nephronophthisis. Identifiers: Orphanet 655, MedGen C1858392, MONDO:0011456, OMIM 604387.
NPHP3-related Meckel-like syndrome. Also called: GOLDSTON SYNDROME; Meckel syndrome type 7. Identifiers: Orphanet 3032, MedGen C2673885, MONDO:0009966, OMIM 267010.
Renal-hepatic-pancreatic dysplasia 1 (RHPD1). Identifiers: MedGen C3715199, MONDO:0008833, OMIM 208540.

Allele frequency attached by ClinVar (database versions not stated): gnomAD exomes 0.00402; ExAC 0.00500; gnomAD 0.01579 and 0.01709; 1000 Genomes Project 0.01657; 1000 Genomes Project 30x 0.01702; ESP Exome Variant Server 0.01807; TOPMed 0.01823.
gnomAD v4.1: 4,770 of 1,613,880 alleles (0.3%); highest among the groups gnomAD compares: African/African-American, 5.7%; 133 homozygotes.

Submissions (12):

Labcorp Genetics (formerly Invitae), Labcorp
Classification: Benign for Nephronophthisis. Last evaluated: 2026-02-04. Review status: criteria provided, single submitter. Criteria: Invitae Variant Classification Sherloc (09022015). Collection method: clinical testing. Allele origin: germline.

Blueprint Genetics
Classification: Likely benign. Last evaluated: 2024-11-26. Review status: criteria provided, single submitter. Criteria: ACMG Guidelines, 2015. Collection method: clinical testing. Allele origin: germline.

Mayo Clinic Laboratories, Mayo Clinic
Classification: Benign. Last evaluated: 2024-03-20. Review status: criteria provided, single submitter. Criteria: ACMG Guidelines, 2015. Collection method: clinical testing. Allele origin: germline. Observed: 16 variant alleles.
Comment: BA1, BS2, BP4

Illumina Laboratory Services, Illumina
Classification: Likely benign for NPHP3-related Meckel-like syndrome. Last evaluated: 2018-01-13. Review status: criteria provided, single submitter. Criteria: ICSL Variant Classification Criteria 13 December 2019. Collection method: clinical testing. Allele origin: germline.
Comment: This variant was observed in the ICSL laboratory as part of a predisposition screen in an ostensibly healthy population. It had not been previously curated by ICSL or reported in the Human Gene Mutation Database (HGMD: prior to June 1st, 2018), and was therefore a candidate for classification through an automated scoring system. Utilizing variant allele frequency, disease prevalence and penetrance estimates, and inheritance mode, an automated score was calculated to assess if this variant is too frequent to cause the disease. Based on the score and internal cut-off values, a variant classified as likely benign is not then subjected to further curation. The score for this variant resulted in a classification of likely benign for this disease.

Illumina Laboratory Services, Illumina
Classification: Benign for Renal-hepatic-pancreatic dysplasia 1. Last evaluated: 2018-01-13. Review status: criteria provided, single submitter. Criteria: ICSL Variant Classification Criteria 13 December 2019. Collection method: clinical testing. Allele origin: germline.
Comment: This variant was observed in the ICSL laboratory as part of a predisposition screen in an ostensibly healthy population. It had not been previously curated by ICSL or reported in the Human Gene Mutation Database (HGMD: prior to June 1st, 2018), and was therefore a candidate for classification through an automated scoring system. Utilizing variant allele frequency, disease prevalence and penetrance estimates, and inheritance mode, an automated score was calculated to assess if this variant is too frequent to cause the disease. Based on the score and internal cut-off values, a variant classified as benign is not then subjected to further curation. The score for this variant resulted in a classification of benign for this disease.

Illumina Laboratory Services, Illumina
Classification: Benign for Nephronophthisis 3. Last evaluated: 2018-01-13. Review status: criteria provided, single submitter. Criteria: ICSL Variant Classification Criteria 13 December 2019. Collection method: clinical testing. Allele origin: germline.
Comment: the same text as in the submission from Illumina Laboratory Services, Illumina above.

Genome Diagnostics Laboratory, The Hospital for Sick Children
Classification: Benign for Kidney disorder. Last evaluated: 2017-02-13. Review status: criteria provided, single submitter. Criteria: ACMG Guidelines, 2015. Collection method: clinical testing. Allele origin: germline.

GeneDx
Classification: Benign. Last evaluated: 2016-03-22. Review status: criteria provided, single submitter. Criteria: GeneDx Variant Classification (06012015). Collection method: clinical testing. Allele origin: germline. Affected: yes.
Comment: This variant is considered likely benign or benign based on one or more of the following criteria: it is a conservative change, it occurs at a poorly conserved position in the protein, it is predicted to be benign by multiple in silico algorithms, and/or has population frequency not consistent with disease.

Center for Pediatric Genomic Medicine, Children's Mercy Hospital and Clinics
Classification: Benign. Last evaluated: 2015-06-12. Review status: criteria provided, single submitter. Criteria: ACMG Guidelines, 2015. Collection method: clinical testing. Allele origin: germline.

Genomic Diagnostic Laboratory, Division of Genomic Diagnostics, Children's Hospital of Philadelphia
Classification: Likely benign. Last evaluated: 2015-03-06. Review status: criteria provided, single submitter. Criteria: DGD Variant Analysis Guidelines. Collection method: clinical testing. Allele origin: unknown.

Breakthrough Genomics
Classification: Likely benign. Review status: criteria provided, single submitter. Criteria: ACMG Guidelines, 2015. Collection method: not provided. Allele origin: germline. Inheritance: Autosomal recessive inheritance. Affected: yes.

PreventionGenetics, part of Exact Sciences
Classification: Benign. Review status: criteria provided, single submitter. Criteria: ACMG Guidelines, 2015. Collection method: clinical testing. Allele origin: germline.

Literature cited by the submitters: PubMed 33574475 (cited by Mayo Clinic Laboratories, Mayo Clinic).

NM_153240.5(NPHP3):c.3913C>T (p.Arg1305Cys)

Genes: NPHP3 (nephrocystin 3; minus strand), NPHP3-ACAD11 (NPHP3-ACAD11 readthrough (NMD candidate); minus strand). Cytogenetic location: 3q22.1.
Variant type: single nucleotide variant.
Coding change: c.3913C>T on transcript NM_153240.5 (MANE Select); coding-DNA position 3913, C replaced by T.
Protein change: p.Arg1305Cys; replaces arginine 1305 with cysteine.
Molecular consequence: missense variant. On other transcripts: non-coding transcript variant (1).
Genome position (GRCh38, 1-based): chr3:132,681,990, G>A on the plus strand (C>T on the coding strand, the complement: NPHP3 is on the minus strand). VCF-style: chr3-132681990-G-A. GRCh37 (hg19) VCF-style: chr3-132400834-G-A.
Other names: short protein forms R1305C.
Identifiers: ClinVar variation 218850 (VCV000218850.23), dbSNP rs35485382, ClinGen allele CA249276.
Genomic context (GRCh38, chr3:132,681,990, plus strand): 5'-GGAAAACATTAGGAGAATGAGCTGTTTTTAAGCTAAACGTGTCTCCACTTGATGAATGGC[G>A]TGAAGGAGCTTTTCCACCCAAGAGTGATGTTTCTGCTTCTTTTATTTCCATTGCCCTTTT-3'
Protein context (NP_694972.3, residues 1295-1315): TSLLGGKAPS[Arg1305Cys]HSSSGDTFSL